The following is an entry in ClinVar:

NM_013275.6(ANKRD11):c.1023C>T (p.Ala341=)

Gene: ANKRD11 (ankyrin repeat domain 11; minus strand). Cytogenetic location: 16q24.3.
Variant type: single nucleotide variant.
Coding change: c.1023C>T on transcript NM_013275.6 (MANE Select); coding-DNA position 1023, C replaced by T.
Protein change: p.Ala341=; no amino-acid change (alanine 341 retained).
Molecular consequence: synonymous variant.
Genome position (GRCh38, 1-based): chr16:89,285,519, G>A on the plus strand (C>T on the coding strand, the complement: ANKRD11 is on the minus strand). VCF-style: chr16-89285519-G-A. GRCh37 (hg19) VCF-style: chr16-89351927-G-A.
Other names: c.1023C>T, p.Ala341= (NM_001256182.2, NM_001256183.2).
Identifiers: ClinVar variation 2647091 (VCV002647091.24), dbSNP rs1211972887, ClinGen allele CA397165905.

ClinVar aggregate classification (germline): Likely benign (1 of 4 stars; one submission).

Allele frequency attached by ClinVar (database versions not stated): gnomAD exomes below 0.00001; TOPMed below 0.00001.
gnomAD v4.1: 2 of 1,614,012 alleles (0.00012%); highest among the groups gnomAD compares: Non-Finnish European, 0.00017%; no homozygotes.

Submission:

CeGaT Center for Human Genetics Tuebingen
Classification: Likely benign. Last evaluated: 2022-08-01. Review status: criteria provided, single submitter. Criteria: CeGaT Center For Human Genetics Tuebingen Variant Classification Criteria Version 2. Collection method: clinical testing. Allele origin: germline. Affected: yes. Observed: 1 variant allele.
Comment: ANKRD11: PM2:Supporting, BP4, BP7